The following is an entry in ClinVar:

NC_000005.9:g.(?_112162795)_(112163713_?)del

Gene: APC (APC regulator of Wnt signaling pathway; plus strand). Cytogenetic location: 5q22.2.
Variant type: Deletion.
Identifiers: ClinVar variation 3246378 (VCV003246378.1).

ClinVar aggregate classification (germline): Pathogenic (1 of 4 stars; one submission).

Conditions:
Familial adenomatous polyposis 1 (FAP1). Also called: POLYPOSIS, ADENOMATOUS INTESTINAL; FAMILIAL ADENOMATOUS POLYPOSIS 1, ATTENUATED. Identifiers: MedGen C2713442, MONDO:0021056, OMIM 175100. Disease mechanism: loss of function.

Submission:

Labcorp Genetics (formerly Invitae), Labcorp
Classification: Pathogenic for Familial adenomatous polyposis 1. Last evaluated: 2023-08-07. Review status: criteria provided, single submitter. Criteria: Invitae Variant Classification Sherloc (09022015). Collection method: clinical testing. Allele origin: unknown.
Comment: For these reasons, this variant has been classified as Pathogenic. This variant has not been reported in the literature in individuals affected with APC-related conditions. This variant is a gross deletion of the genomic region encompassing exon(s) 12-13 of the APC gene. This deletion is out-of-frame, and is expected to create a premature termination codon and result in an absent or disrupted protein product. Loss-of-function variants in APC are known to be pathogenic (PMID: 17963004, 20685668).

Literature cited by the submitters: PubMed 17963004; PubMed 20685668.